The following is an entry in ClinVar:

ClinVar aggregate classification (germline): Conflicting classifications of pathogenicity. Review status: criteria provided, conflicting classifications (1 of 4 stars). 2 submissions from 2 submitters: Uncertain significance (1); Likely benign (1). Last evaluated 2025-03-23.

Conditions:
Congenital myopathy with internal nuclei and atypical cores. Also called: Myopathy, centronuclear, 4. Identifiers: Orphanet 319160, MedGen C4707232, MONDO:0013890, OMIM 614807.

Allele frequency attached by ClinVar (database versions not stated): gnomAD 0.00001 and 0.00002; gnomAD exomes 0.00004; TOPMed 0.00004; ExAC 0.00006.
gnomAD v4.1: 69 of 1,604,028 alleles (0.0043%); highest among the groups gnomAD compares: African/African-American, 0.008%; no homozygotes.

Submissions (2):

Labcorp Genetics (formerly Invitae), Labcorp
Classification: Uncertain significance for Congenital myopathy with internal nuclei and atypical cores. Last evaluated: 2025-03-23. Review status: criteria provided, single submitter. Criteria: Invitae Variant Classification Sherloc (09022015). Collection method: clinical testing. Allele origin: germline.
Comment: This sequence change falls in intron 3 of the CCDC78 gene. It does not directly change the encoded amino acid sequence of the CCDC78 protein. It affects a nucleotide within the consensus splice site. This variant is present in population databases (rs749827376, gnomAD 0.01%). This variant has not been reported in the literature in individuals affected with CCDC78-related conditions. ClinVar contains an entry for this variant (Variation ID: 383732). Variants that disrupt the consensus splice site are a relatively common cause of aberrant splicing (PMID: 17576681, 9536098). Algorithms developed to predict the effect of sequence changes on RNA splicing suggest that this variant is not likely to affect RNA splicing. In summary, the available evidence is currently insufficient to determine the role of this variant in disease. Therefore, it has been classified as a Variant of Uncertain Significance.

GeneDx
Classification: Likely benign. Last evaluated: 2016-03-01. Review status: criteria provided, single submitter. Criteria: GeneDx Variant Classification (06012015). Collection method: clinical testing. Allele origin: germline. Affected: yes.
Comment: This variant is considered likely benign or benign based on one or more of the following criteria: it is a conservative change, it occurs at a poorly conserved position in the protein, it is predicted to be benign by multiple in silico algorithms, and/or has population frequency not consistent with disease.

Literature cited by the submitters: PubMed 17576681 (cited by Labcorp Genetics (formerly Invitae), Labcorp); PubMed 9536098 (cited by Labcorp Genetics (formerly Invitae), Labcorp).

NM_001378030.1(CCDC78):c.267+3G>A

Gene: CCDC78 (coiled-coil domain containing 78; minus strand). Cytogenetic location: 16p13.3.
Variant type: single nucleotide variant.
Coding change: c.267+3G>A on transcript NM_001378030.1 (MANE Select); 3 bases into the intron after coding-DNA position 267, G replaced by A.
Molecular consequence: intron variant.
Genome position (GRCh38, 1-based): chr16:725,791, C>T on the plus strand (G>A on the coding strand, the complement: CCDC78 is on the minus strand). VCF-style: chr16-725791-C-T. GRCh37 (hg19) VCF-style: chr16-775791-C-T.
Other names: c.-19+3G>A (NM_001378033.1); c.267+3G>A (NM_001378031.1, NM_001031737.3).
Identifiers: ClinVar variation 383732 (VCV000383732.7), dbSNP rs749827376, ClinGen allele CA7789689.